The following is an entry in ClinVar:

NM_004360.5(CDH1):c.224T>G (p.Phe75Cys)

Gene: CDH1 (cadherin 1; plus strand). Cytogenetic location: 16q22.1.
Variant type: single nucleotide variant.
Coding change: c.224T>G on transcript NM_004360.5 (MANE Select); coding-DNA position 224, T replaced by G.
Protein change: p.Phe75Cys; replaces phenylalanine 75 with cysteine.
Molecular consequence: missense variant. On other transcripts: 5 prime UTR variant (2).
Genome position (GRCh38, 1-based): chr16:68,801,730, T>G. VCF-style: chr16-68801730-T-G. GRCh37 (hg19) VCF-style: chr16-68835633-T-G.
Other names: c.224T>G, p.Phe75Cys (NM_001317184.2); c.-1392T>G (NM_001317185.2); c.-1596T>G (NM_001317186.2); c.224T>G (LRG_301t1); short protein forms F75C.
Identifiers: ClinVar variation 140872 (VCV000140872.6), dbSNP rs587781336, ClinGen allele CA163800.
Genomic context (GRCh38, chr16:68,801,730, plus strand): 5'-TGAATTTTGAAGATTGCACCGGTCGACAAAGGACAGCCTATTTTTCCCTCGACACCCGAT[T>G]CAAAGTGGGCACAGATGGTGTGATTACAGTCAAAAGGCCTCTACGGTTTCATAACCCACA-3'
Protein context (NP_004351.1, residues 65-85): RTAYFSLDTR[Phe75Cys]KVGTDGVITV

ClinVar aggregate classification (germline): Uncertain significance (1 of 4 stars; one submission).

Conditions:
Hereditary cancer-predisposing syndrome. Also called: Neoplastic Syndromes, Hereditary; Tumor predisposition; Hereditary Cancer Syndrome; Hereditary neoplastic syndrome. Identifiers: Orphanet 140162, MedGen C0027672, MeSH D009386, MONDO:0015356.

Allele frequency attached by ClinVar (database versions not stated): gnomAD exomes below 0.00001.
gnomAD v4.1: 1 of 1,614,198 alleles (0.000062%); highest among the groups gnomAD compares: Non-Finnish European, 0.000085%; no homozygotes.

Submission:

Ambry Genetics
Classification: Uncertain significance for Hereditary cancer-predisposing syndrome. Last evaluated: 2024-06-28. Review status: criteria provided, single submitter. Criteria: Ambry Variant Classification Scheme 2023. Collection method: clinical testing. Allele origin: germline.
Comment: The p.F75C variant (also known as c.224T>G), located in coding exon 3 of the CDH1 gene, results from a T to G substitution at nucleotide position 224. The phenylalanine at codon 75 is replaced by cysteine, an amino acid with highly dissimilar properties. This amino acid position is well conserved in available vertebrate species. In addition, the in silico prediction for this alteration is inconclusive. Since supporting evidence is limited at this time, the clinical significance of this alteration remains unclear.